The following is an entry in ClinVar:

NM_000742.4(CHRNA2):c.523C>A (p.Pro175Thr)

Gene: CHRNA2 (cholinergic receptor nicotinic alpha 2 subunit; minus strand). Cytogenetic location: 8p21.2.
Variant type: single nucleotide variant.
Coding change: c.523C>A on transcript NM_000742.4 (MANE Select); coding-DNA position 523, C replaced by A.
Protein change: p.Pro175Thr; replaces proline 175 with threonine.
Molecular consequence: missense variant. On other transcripts: intron variant (2).
Genome position (GRCh38, 1-based): chr8:27,463,920, G>T on the plus strand (C>A on the coding strand, the complement: CHRNA2 is on the minus strand). VCF-style: chr8-27463920-G-T. GRCh37 (hg19) VCF-style: chr8-27321437-G-T.
Other names: c.478C>A, p.Pro160Thr (NM_001282455.2); c.46C>A, p.Pro16Thr (NM_001347705.2, NM_001347706.2); c.-12-60C>A (NM_001347708.2); c.-9-63C>A (NM_001347707.2); c.523C>A (NM_000742.3); short protein forms P160T, P175T, P16T.
Identifiers: ClinVar variation 2093898 (VCV002093898.5), dbSNP rs2490543448, ClinGen allele CA370811419.

ClinVar aggregate classification (germline): Uncertain significance. Review status: criteria provided, multiple submitters, no conflicts (2 of 4 stars). 2 submissions from 2 submitters: Uncertain significance (2). Last evaluated 2023-06-11.

Conditions:
Familial sleep-related hypermotor epilepsy. Also called: Autosomal Dominant Sleep-Related Hypermotor (Hyperkinetic) Epilepsy. Identifiers: Orphanet 98784, MedGen C3696898, MONDO:0000030.

Submissions (2):

GeneDx
Classification: Uncertain significance. Last evaluated: 2023-06-11. Review status: criteria provided, single submitter. Criteria: GeneDx Variant Classification Process June 2021. Collection method: clinical testing. Allele origin: germline. Affected: yes.
Comment: Not observed at significant frequency in large population cohorts (gnomAD); In silico analysis supports that this missense variant has a deleterious effect on protein structure/function; Has not been previously published as pathogenic or benign to our knowledge

Labcorp Genetics (formerly Invitae), Labcorp
Classification: Uncertain significance. Last evaluated: 2022-04-06. Review status: criteria provided, single submitter. Criteria: Invitae Variant Classification Sherloc (09022015). Collection method: clinical testing. Allele origin: germline.
Comment: In summary, the available evidence is currently insufficient to determine the role of this variant in disease. Therefore, it has been classified as a Variant of Uncertain Significance. Advanced modeling of protein sequence and biophysical properties (such as structural, functional, and spatial information, amino acid conservation, physicochemical variation, residue mobility, and thermodynamic stability) performed at Invitae indicates that this missense variant is expected to disrupt CHRNA2 protein function. This variant has not been reported in the literature in individuals affected with CHRNA2-related conditions. This variant is not present in population databases (gnomAD no frequency). This sequence change replaces proline, which is neutral and non-polar, with threonine, which is neutral and polar, at codon 175 of the CHRNA2 protein (p.Pro175Thr).